The following is an entry in ClinVar:

ClinVar aggregate classification (germline): Conflicting classifications of pathogenicity. Review status: criteria provided, conflicting classifications (1 of 4 stars). 5 submissions from 5 submitters: Pathogenic (1); Likely pathogenic (1); Uncertain significance (2). 1 of the submissions does not count toward it. Last evaluated 2025-10-15.

Conditions:
Familial thoracic aortic aneurysm and aortic dissection (TAAD). Also called: Thoracic aortic aneurysms and dissections. Identifiers: Orphanet 91387, MedGen C4707243, MONDO:0019625.
Ehlers-Danlos syndrome, type 4 (EDSVASC). Also called: Ehlers-Danlos syndrome vascular type; Ehlers Danlos syndrome, ecchymotic type; Ehlers Danlos syndrome, arterial type; Ehlers Danlos syndrome, Sack-Barabas type; Ehlers-Danlos Syndrome Type IV. Identifiers: Orphanet 286, MedGen C0268338, MONDO:0017314, OMIM 130050.

Allele frequency attached by ClinVar (database versions not stated): gnomAD exomes below 0.00001.
gnomAD v4.1: 2 of 1,613,968 alleles (0.00012%); highest among the groups gnomAD compares: African/African-American, 0.0013%; no homozygotes.

Submissions (5):

Labcorp Genetics (formerly Invitae), Labcorp
Classification: Uncertain significance for Ehlers-Danlos syndrome, type 4. Last evaluated: 2025-10-15. Review status: criteria provided, single submitter. Criteria: Invitae Variant Classification Sherloc (09022015). Collection method: clinical testing. Allele origin: germline.
Comment: This sequence change affects codon 1418 of the COL3A1 mRNA. It is a 'silent' change, meaning that it does not change the encoded amino acid sequence of the COL3A1 protein. This variant also falls at the last nucleotide of exon 50, which is part of the consensus splice site for this exon. This variant is not present in population databases (gnomAD no frequency). This variant has been observed in individual(s) with clinical features of vascular Ehlers-Danlos syndrome (PMID: 24922459). ClinVar contains an entry for this variant (Variation ID: 101276). Variants that disrupt the consensus splice site are a relatively common cause of aberrant splicing (PMID: 17576681, 9536098). Algorithms developed to predict the effect of sequence changes on RNA splicing suggest that this variant may disrupt the consensus splice site. In summary, the available evidence is currently insufficient to determine the role of this variant in disease. Therefore, it has been classified as a Variant of Uncertain Significance.

Ambry Genetics
Classification: Uncertain significance for Familial thoracic aortic aneurysm and aortic dissection. Last evaluated: 2025-04-01. Review status: criteria provided, single submitter. Criteria: Ambry Variant Classification Scheme 2023. Collection method: clinical testing. Allele origin: germline.
Comment: The c.4254G>A variant (also known as p.T1418T), located in coding exon 50 of the COL3A1 gene, results from a G to A substitution at nucleotide position 4254. This nucleotide substitution does not change the threonine at codon 1418. However, this change occurs in the last base pair of coding exon 50, which makes it likely to have some effect on normal mRNA splicing. This variant was reported in individual(s) with features consistent with vascular Ehlers-Danlos syndrome (EDS) (Pepin MG et al. Genet Med, 2014 Dec;16:881-8). This nucleotide position is poorly conserved in available vertebrate species. In silico splice site analysis predicts that this alteration may weaken the native splice donor site. Based on the available evidence, the clinical significance of this variant remains unclear.

GeneDx
Classification: Pathogenic. Last evaluated: 2023-10-16. Review status: criteria provided, single submitter. Criteria: GeneDx Variant Classification Process June 2021. Collection method: clinical testing. Allele origin: germline. Affected: yes.
Comment: Functional studies of fibroblasts from a patient with this variant demonstrated use of an upstream cryptic splice donor site that led to a translational frameshift. The aberrant mRNA transcript was observed to be stable but the truncated protein product was not incorporated into the trimer procollagen molecule, which resulted in functional haploinsufficiency with production of half the normal amount of type III procollagen (Rigelsky et al., 2011).; Not observed at significant frequency in large population cohorts (gnomAD); This variant is associated with the following publications: (PMID: 24922459)

Baylor Genetics
Classification: Likely pathogenic for Ehlers-Danlos syndrome, type 4. Last evaluated: 2022-09-06. Review status: criteria provided, single submitter. Criteria: ACMG Guidelines, 2015. Collection method: clinical testing. Allele origin: unknown.

Collagen Diagnostic Laboratory, University of Washington
Classification: Pathogenic for Ehlers-Danlos syndrome, type 4. Review status: no assertion criteria provided. Collection method: clinical testing. Allele origin: germline. Affected: yes. Not counted in ClinVar's aggregate classification.

Literature cited by the submitters: PubMed 24922459 (cited by Labcorp Genetics (formerly Invitae), Labcorp and Ambry Genetics); PubMed 17576681 (cited by Labcorp Genetics (formerly Invitae), Labcorp); PubMed 9536098 (cited by Labcorp Genetics (formerly Invitae), Labcorp).

NM_000090.4(COL3A1):c.4254G>A (p.Thr1418=)

Gene: COL3A1 (collagen type III alpha 1 chain; plus strand). Cytogenetic location: 2q32.2.
Variant type: single nucleotide variant.
Coding change: c.4254G>A on transcript NM_000090.4 (MANE Select); coding-DNA position 4254, G replaced by A.
Protein change: p.Thr1418=; no amino-acid change (threonine 1418 retained).
Molecular consequence: synonymous variant.
Genome position (GRCh38, 1-based): chr2:189,010,890, G>A. VCF-style: chr2-189010890-G-A. GRCh37 (hg19) VCF-style: chr2-189875616-G-A.
Other names: NP_000081.1:p.Gly1398Glufs*12.
Identifiers: ClinVar variation 101276 (VCV000101276.12), dbSNP rs587779565, ClinGen allele CA006849.